The following is an entry in ClinVar:

NC_000008.11:g.85662319G>A

Variant type: single nucleotide variant.
Genome position: GRCh38 VCF-style: chr8-85662319-G-A. GRCh37 (hg19) VCF-style: chr8-86574548-G-A.
Identifiers: ClinVar variation 3771224 (VCV003771224.13).
Genomic context (GRCh38, chr8:85,662,319, plus strand): 5'-GACCCTACAGGAGGAGTCGCCGGGCCCCTTCCCCTGGCCAGTGAAGAGGACGGCGCCTCC[G>A]GGCCGCTCGGGGTGCGGGAAGGGGTAGCCGTTCTCCTTGAGCTGGTCCTGGGTGAGCAGG-3'

ClinVar aggregate classification (germline): Likely benign (1 of 4 stars; one submission).

Submission:

CeGaT Center for Human Genetics Tuebingen
Classification: Likely benign. Last evaluated: 2025-01-01. Review status: criteria provided, single submitter. Criteria: CeGaT Center For Human Genetics Tuebingen Variant Classification Criteria Version 2. Collection method: clinical testing. Allele origin: germline. Affected: yes. Observed: 1 variant allele.
Comment: REXO1L1P: BP4, BP7